The following is an entry in ClinVar:

NM_018344.6(SLC29A3):c.1419C>T (p.His473=)

Gene: SLC29A3 (solute carrier family 29 member 3; plus strand). Cytogenetic location: 10q22.1.
Variant type: single nucleotide variant.
Coding change: c.1419C>T on transcript NM_018344.6 (MANE Select); coding-DNA position 1419, C replaced by T.
Protein change: p.His473=; no amino-acid change (histidine 473 retained).
Molecular consequence: synonymous variant. On other transcripts: 3 prime UTR variant (1), non-coding transcript variant (2).
Genome position (GRCh38, 1-based): chr10:71,362,599, C>T. VCF-style: chr10-71362599-C-T. GRCh37 (hg19) VCF-style: chr10-73122356-C-T.
Other names: c.*648C>T (NM_001174098.2); c.1185C>T, p.His395= (NM_001363518.2).
Identifiers: ClinVar variation 1160976 (VCV001160976.31), dbSNP rs372551556, ClinGen allele CA5543201.

ClinVar aggregate classification (germline): Likely benign. Review status: criteria provided, multiple submitters, no conflicts (2 of 4 stars). 2 submissions from 2 submitters: Likely benign (2). Last evaluated 2024-10-21.

Conditions:
H syndrome. Also called: HISTIOCYTOSIS AND LYMPHADENOPATHY WITH OR WITHOUT CUTANEOUS, CARDIAC, AND/OR ENDOCRINE FEATURES, JOINT CONTRACTURES, AND/OR DEAFNESS; HYPERPIGMENTATION, CUTANEOUS, WITH HYPERTRICHOSIS, HEPATOSPLENOMEGALY, HEART ANOMALIES, AND HYPOGONADISM WITH OR WITHOUT HEARING LOSS; PIGMENTED HYPERTRICHOSIS WITH INSULIN-DEPENDENT DIABETES MELLITUS; ROSAI-DORFMAN DISEASE, FAMILIAL; SINUS HISTIOCYTOSIS AND MASSIVE LYMPHADENOPATHY; Hyperpigmentation, Cutaneous, with Hypertrichosis, Hepatosplenomegaly, Heart Anomalies, Hearing Loss, and Hypogonadism. Identifiers: Orphanet 168569, MedGen C1864445, MONDO:0011273, OMIM 602782.

Allele frequency attached by ClinVar (database versions not stated): gnomAD exomes below 0.00001 and 0.00001; ExAC 0.00001; ESP Exome Variant Server 0.00008.
gnomAD v4.1: 5 of 1,614,158 alleles (0.00031%); highest among the groups gnomAD compares: Non-Finnish European, 0.00042%; no homozygotes.

Submissions (2):

Labcorp Genetics (formerly Invitae), Labcorp
Classification: Likely benign for H syndrome. Last evaluated: 2024-10-21. Review status: criteria provided, single submitter. Criteria: Invitae Variant Classification Sherloc (09022015). Collection method: clinical testing. Allele origin: germline.

CeGaT Center for Human Genetics Tuebingen
Classification: Likely benign. Last evaluated: 2023-12-01. Review status: criteria provided, single submitter. Criteria: CeGaT Center For Human Genetics Tuebingen Variant Classification Criteria Version 2. Collection method: clinical testing. Allele origin: germline. Affected: yes. Observed: 1 variant allele.
Comment: SLC29A3: BP4, BP7